The following is an entry in ClinVar:

ClinVar aggregate classification (germline): Uncertain significance (1 of 4 stars; one submission).

Conditions:
RASopathy. Also called: rasopathies; Noonan spectrum disorder. Identifiers: Orphanet 536391, MedGen C5555857, MONDO:0021060.

Submission:

Labcorp Genetics (formerly Invitae), Labcorp
Classification: Uncertain significance for RASopathy. Last evaluated: 2022-07-29. Review status: criteria provided, single submitter. Criteria: Invitae Variant Classification Sherloc (09022015). Collection method: clinical testing. Allele origin: germline.
Comment: This sequence change replaces threonine, which is neutral and polar, with alanine, which is neutral and non-polar, at codon 144 of the NRAS protein (p.Thr144Ala). This variant is not present in population databases (gnomAD no frequency). This variant has not been reported in the literature in individuals affected with NRAS-related conditions. Algorithms developed to predict the effect of missense changes on protein structure and function are either unavailable or do not agree on the potential impact of this missense change (SIFT: "Deleterious"; PolyPhen-2: "Benign"; Align-GVGD: "Class C55"). In summary, the available evidence is currently insufficient to determine the role of this variant in disease. Therefore, it has been classified as a Variant of Uncertain Significance.

NM_002524.5(NRAS):c.430A>G (p.Thr144Ala)

Gene: NRAS (NRAS proto-oncogene, GTPase; minus strand). Cytogenetic location: 1p13.2.
Variant type: single nucleotide variant.
Coding change: c.430A>G on transcript NM_002524.5 (MANE Select); coding-DNA position 430, A replaced by G.
Protein change: p.Thr144Ala; replaces threonine 144 with alanine.
Molecular consequence: missense variant.
Genome position (GRCh38, 1-based): chr1:114,709,589, T>C on the plus strand (A>G on the coding strand, the complement: NRAS is on the minus strand). VCF-style: chr1-114709589-T-C. GRCh37 (hg19) VCF-style: chr1-115252210-T-C.
Other names: short protein forms T144A.
Identifiers: ClinVar variation 1714146 (VCV001714146.5), dbSNP rs2101738654, ClinGen allele CA341739106.
Genomic context (GRCh38, chr1:114,709,589, plus strand): 5'-GATGCAAACTCTTGCACAAATGCTGAAAGCTGTACCATACCTGTCTGGTCTTGGCTGAGG[T>C]TTCAATGAATGGAATCCCGTAACTCTTGGCCAGTTCGTGGGCTTGTTTTGTATCAACTGT-3'
Protein context (NP_002515.1, residues 134-154): AKSYGIPFIE[Thr144Ala]SAKTRQGVED